The following is an entry in ClinVar:

ClinVar aggregate classification (germline): Uncertain significance (1 of 4 stars; one submission).

Conditions:
Oculofaciocardiodental syndrome (MCOPS2). Identifiers: Orphanet 2712, MedGen C1846265, MONDO:0010261, OMIM 300166.

Allele frequency attached by ClinVar (database versions not stated): gnomAD exomes below 0.00001; TOPMed below 0.00001; ExAC 0.00001.
gnomAD v4.1: 3 of 1,203,707 alleles (0.00025%); highest among the groups gnomAD compares: East Asian, 0.0059%; no homozygotes.

Submission:

Labcorp Genetics (formerly Invitae), Labcorp
Classification: Uncertain significance for Oculofaciocardiodental syndrome. Last evaluated: 2022-06-28. Review status: criteria provided, single submitter. Criteria: Invitae Variant Classification Sherloc (09022015). Collection method: clinical testing. Allele origin: germline.
Comment: In summary, the available evidence is currently insufficient to determine the role of this variant in disease. Therefore, it has been classified as a Variant of Uncertain Significance. Algorithms developed to predict the effect of missense changes on protein structure and function are either unavailable or do not agree on the potential impact of this missense change (SIFT: "Deleterious"; PolyPhen-2: "Benign"; Align-GVGD: "Class C35"). This variant has not been reported in the literature in individuals affected with BCOR-related conditions. The frequency data for this variant in the population databases is considered unreliable, as metrics indicate poor data quality at this position in the gnomAD database. This sequence change replaces glutamine, which is neutral and polar, with arginine, which is basic and polar, at codon 1553 of the BCOR protein (p.Gln1553Arg).

NM_001123385.2(BCOR):c.4760A>G (p.Gln1587Arg)

Gene: BCOR (BCL6 corepressor; minus strand). Cytogenetic location: Xp11.4.
Variant type: single nucleotide variant.
Coding change: c.4760A>G on transcript NM_001123385.2 (MANE Select); coding-DNA position 4760, A replaced by G.
Protein change: p.Gln1587Arg; replaces glutamine 1587 with arginine.
Molecular consequence: missense variant.
Genome position (GRCh38, 1-based): chrX:40,054,315, T>C on the plus strand (A>G on the coding strand, the complement: BCOR is on the minus strand). VCF-style: chrX-40054315-T-C. GRCh37 (hg19) VCF-style: chrX-39913568-T-C.
Other names: c.4658A>G, p.Gln1553Arg (NM_001123383.2, NM_017745.6); c.4604A>G, p.Gln1535Arg (NM_001123384.2); short protein forms Q1587R, Q1553R, Q1535R.
Identifiers: ClinVar variation 2047403 (VCV002047403.4), dbSNP rs753112982, ClinGen allele CA10386386.